The following is an entry in ClinVar:

ClinVar aggregate classification (germline): Benign (3 of 4 stars; one submission).

Conditions:
Breast-ovarian cancer, familial, susceptibility to, 1 (BROVCA1). Also called: BRCA1 Hereditary Breast and Ovarian Cancer; OVARIAN CANCER, SUSCEPTIBILITY TO. Identifiers: Orphanet 145, MedGen C2676676, MONDO:0011450, OMIM 604370. Disease mechanism: loss of function.

Allele frequency attached by ClinVar (database versions not stated): TOPMed 0.30126; gnomAD 0.30802 and 0.31550; 1000 Genomes Project 30x 0.34650; 1000 Genomes Project 0.35264.
gnomAD v4.1: 47,931 of 151,862 alleles (32%); highest among the groups gnomAD compares: South Asian, 49%; 7,892 homozygotes.

Submission:

Evidence-based Network for the Interpretation of Germline Mutant Alleles (ENIGMA)
Classification: Benign for Breast-ovarian cancer, familial 1. Last evaluated: 2015-01-12. Review status: reviewed by expert panel. Criteria: ENIGMA BRCA1/2 Classification Criteria (2015). Collection method: curation. Allele origin: germline.
Comment: Class 1 not pathogenic based on frequency >1% in an outbred sampleset. Frequency 0.3304 (Asian), 0.2154 (African), 0.3562 (European), derived from 1000 genomes (2012-04-30).

NM_007294.4(BRCA1):c.4186-3361C>T

Gene: BRCA1 (BRCA1 DNA repair associated; minus strand). Cytogenetic location: 17q21.31.
Variant type: single nucleotide variant.
Coding change: c.4186-3361C>T on transcript NM_007294.4 (MANE Select); 3361 bases into the intron before coding-DNA position 4186, C replaced by T.
Molecular consequence: intron variant.
Genome position (GRCh38, 1-based): chr17:43,085,936, G>A on the plus strand (C>T on the coding strand, the complement: BRCA1 is on the minus strand). VCF-style: chr17-43085936-G-A. GRCh37 (hg19) VCF-style: chr17-41237953-G-A.
Other names: IVS 12-3361C>T; c.736-3361C>T (NM_001408458.1, NM_001408453.1, NM_001408461.1 and 8 more transcripts); c.3298-3361C>T (NM_001407967.1, NM_001407966.1); c.3805-3361C>T (NM_001407959.1, NM_001407960.1); c.3919-3361C>T (NM_001407931.1, NM_001407932.1, NM_001407936.1 and 1 more transcripts); c.4042-3361C>T (NM_001407747.1, NM_001407839.1, NM_001407745.1 and 17 more transcripts); c.3802-3361C>T (NM_001407962.1); c.373-3361C>T (NM_001408512.1); and 65 more.
Identifiers: ClinVar variation 209420 (VCV000209420.2), dbSNP rs3950989, ClinGen allele CA276392.